The following is an entry in ClinVar:

NM_078470.6(COX15):c.79_90+3delinsGACT

Genes: COX15 (cytochrome c oxidase assembly factor COX15; minus strand), LOC130004506 (ATAC-STARR-seq lymphoblastoid active region 3872; plus strand). Cytogenetic location: 10q24.2.
Variant type: Indel.
Coding change: c.79_90+3delinsGACT on transcript NM_078470.6 (MANE Select); coding-DNA position 79 through 3 bases into the intron after coding-DNA position 90, CCTAGAGCACAGGTA replaced by GACT.
Molecular consequence: splice donor variant.
Genome position (GRCh38, 1-based): chr10:99,731,957-99,731,971, TACCTGTGCTCTAGG replaced by AGTC on the plus strand (CCTAGAGCACAGGTA replaced by GACT on the coding strand, the reverse complement: COX15 is on the minus strand). VCF-style: chr10-99731957-TACCTGTGCTCTAGG-AGTC. GRCh37 (hg19) VCF-style: chr10-101491714-TACCTGTGCTCTAGG-AGTC.
Other names: c.79_90+3delinsGACT (NM_001320974.2, NM_001372026.1, NM_001372028.1 and 5 more transcripts); c.-376_-365+3delinsGACT (NM_001320976.2).
Identifiers: ClinVar variation 1704545 (VCV001704545.1), dbSNP rs2492746592, ClinGen allele CA2580082711.

ClinVar aggregate classification (germline): Likely pathogenic (1 of 4 stars; one submission).

Conditions:
Leigh syndrome (NULS). Also called: LEIGH SYNDROME, NUCLEAR; Leigh's necrotizing encephalopathy; Leigh's disease; Leigh Syndrome (mtDNA deletion); Leigh's syndrome; Leigh Disease. Identifiers: Orphanet 506, MedGen C2931891, MONDO:0009723, OMIM 256000.

Submission:

Women's Health and Genetics/Laboratory Corporation of America, LabCorp
Classification: Likely pathogenic for Leigh syndrome. Last evaluated: 2022-07-30. Review status: criteria provided, single submitter. Criteria: LabCorp Variant Classification Summary - May 2015. Collection method: clinical testing. Allele origin: germline.
Comment: Variant summary: COX15 c.79_90+3delinsGACT spans the canonical splice-site and is predicted to affect mRNA splicing resulting in a significantly altered protein due to either exon skipping, shortening, or inclusion of intronic material. Several computational tools predict a significant impact on normal splicing: Five predict the variant abolishes the canonical 5' splicing donor site. However, these predictions have yet to be confirmed by functional studies. The variant was absent in 233810 control chromosomes. To our knowledge, no occurrence of c.79_90+3delinsGACT in individuals affected with Leigh Syndrome and no experimental evidence demonstrating its impact on protein function have been reported. No clinical diagnostic laboratories have submitted clinical-significance assessments for this variant to ClinVar after 2014. Based on the evidence outlined above, the variant was classified as likely pathogenic.